The following is an entry in ClinVar:

NM_001372.4(DNAH9):c.2258T>G (p.Leu753Arg)

Gene: DNAH9 (dynein axonemal heavy chain 9; plus strand). Cytogenetic location: 17p12.
Variant type: single nucleotide variant.
Coding change: c.2258T>G on transcript NM_001372.4 (MANE Select); coding-DNA position 2258, T replaced by G.
Protein change: p.Leu753Arg; replaces leucine 753 with arginine.
Molecular consequence: missense variant.
Genome position (GRCh38, 1-based): chr17:11,651,229, T>G. VCF-style: chr17-11651229-T-G. GRCh37 (hg19) VCF-style: chr17-11554546-T-G.
Other names: short protein forms L753R.
Identifiers: ClinVar variation 1720886 (VCV001720886.5), dbSNP rs2544301377, ClinGen allele CA398176134.
Genomic context (GRCh38, chr17:11,651,229, plus strand): 5'-GGCAGCTTGTGGCTAATTTAGAGTTGATGGCAAATTGGTACAACAAGGTTATGAAAACTC[T>G]GCTGGAGGTGGAATTTCCATTAGTGGAGGAAGAGCTGCAAAATATTGATCTCCGCCTCAG-3'
Protein context (NP_001363.2, residues 743-763): ANWYNKVMKT[Leu753Arg]LEVEFPLVEE

ClinVar aggregate classification (germline): Uncertain significance (1 of 4 stars; one submission).

Submission:

Labcorp Genetics (formerly Invitae), Labcorp
Classification: Uncertain significance. Last evaluated: 2022-10-03. Review status: criteria provided, single submitter. Criteria: Invitae Variant Classification Sherloc (09022015). Collection method: clinical testing. Allele origin: germline.
Comment: This variant is not present in population databases (gnomAD no frequency). This sequence change replaces leucine, which is neutral and non-polar, with arginine, which is basic and polar, at codon 753 of the DNAH9 protein (p.Leu753Arg). This variant has not been reported in the literature in individuals affected with DNAH9-related conditions. In summary, the available evidence is currently insufficient to determine the role of this variant in disease. Therefore, it has been classified as a Variant of Uncertain Significance. Advanced modeling of protein sequence and biophysical properties (such as structural, functional, and spatial information, amino acid conservation, physicochemical variation, residue mobility, and thermodynamic stability) performed at Invitae indicates that this missense variant is expected to disrupt DNAH9 protein function.